The following is an entry in ClinVar:

ClinVar aggregate classification (germline): Conflicting classifications of pathogenicity. Review status: criteria provided, conflicting classifications (1 of 4 stars). 3 submissions from 3 submitters: Uncertain significance (2); Likely benign (1). Last evaluated 2025-12-08.

Conditions:
Renal cell carcinoma. Identifiers: Orphanet 217071, MedGen C0007134, MeSH D002292, MONDO:0005086, HP:0005584.
Hereditary cancer-predisposing syndrome. Also called: Tumor predisposition; Hereditary Cancer Syndrome; Hereditary neoplastic syndrome; Neoplastic Syndromes, Hereditary. Identifiers: Orphanet 140162, MedGen C0027672, MeSH D009386, MONDO:0015356.
Papillary renal cell carcinoma type 1 (RCCP1). Also called: RENAL CELL CARCINOMA, PAPILLARY, 1, SOMATIC; Renal adenocarcinoma; Renal cell carcinoma 1; Renal cell carcinoma, somatic. Identifiers: Orphanet 47044, MedGen C1336839, OMIM 605074, HP:0011797.

Allele frequency attached by ClinVar (database versions not stated): gnomAD exomes below 0.00001; TOPMed below 0.00001; ExAC 0.00001; gnomAD 0.00001.
gnomAD v4.1: 2 of 1,613,930 alleles (0.00012%); highest among the groups gnomAD compares: Non-Finnish European, 0.00017%; no homozygotes.

Submissions (3):

Labcorp Genetics (formerly Invitae), Labcorp
Classification: Uncertain significance for Renal cell carcinoma. Last evaluated: 2025-12-08. Review status: criteria provided, single submitter. Criteria: Invitae Variant Classification Sherloc (09022015). Collection method: clinical testing. Allele origin: germline.
Comment: This sequence change falls in intron 5 of the MET gene. It does not directly change the encoded amino acid sequence of the MET protein. It affects a nucleotide within the consensus splice site. This variant is present in population databases (rs754686930, gnomAD 0.0009%). This variant has not been reported in the literature in individuals affected with MET-related conditions. ClinVar contains an entry for this variant (Variation ID: 485752). Variants that disrupt the consensus splice site are a relatively common cause of aberrant splicing (PMID: 17576681, 9536098). Algorithms developed to predict the effect of sequence changes on RNA splicing suggest that this variant is not likely to affect RNA splicing. In summary, the available evidence is currently insufficient to determine the role of this variant in disease. Therefore, it has been classified as a Variant of Uncertain Significance.

Myriad Genetics, Inc.
Classification: Likely benign for Papillary renal cell carcinoma type 1. Last evaluated: 2024-11-07. Review status: criteria provided, single submitter. Criteria: Myriad Autosomal Dominant, Autosomal Recessive and X-Linked Classification Criteria (2023). Collection method: clinical testing. Allele origin: unknown.
Comment: This variant is considered likely benign. This variant is intronic and is not expected to impact mRNA splicing.

Ambry Genetics
Classification: Uncertain significance for Hereditary cancer-predisposing syndrome. Last evaluated: 2024-01-26. Review status: criteria provided, single submitter. Criteria: Ambry Variant Classification Scheme 2023. Collection method: clinical testing. Allele origin: germline.
Comment: The c.1702-3T>C intronic variant results from a T to C substitution 3 nucleotides upstream from coding exon 5 in the MET gene. This nucleotide position is not well conserved in available vertebrate species. In silico splice site analysis predicts that this alteration will not have any significant effect on splicing. Since supporting evidence is limited at this time, the clinical significance of this alteration remains unclear.

Literature cited by the submitters: PubMed 17576681 (cited by Labcorp Genetics (formerly Invitae), Labcorp); PubMed 9536098 (cited by Labcorp Genetics (formerly Invitae), Labcorp).

NM_000245.4(MET):c.1702-3T>C

Gene: MET (MET proto-oncogene, receptor tyrosine kinase; plus strand). Cytogenetic location: 7q31.2.
Variant type: single nucleotide variant.
Coding change: c.1702-3T>C on transcript NM_000245.4 (MANE Select); 3 bases into the intron before coding-DNA position 1702, T replaced by C.
Molecular consequence: intron variant.
Genome position (GRCh38, 1-based): chr7:116,755,352, T>C. VCF-style: chr7-116755352-T-C. GRCh37 (hg19) VCF-style: chr7-116395406-T-C.
Other names: c.1702-3T>C (NM_001127500.3, NM_001324401.3); c.412-3T>C (NM_001324402.2).
Identifiers: ClinVar variation 485752 (VCV000485752.16), dbSNP rs754686930, ClinGen allele CA4448273.